The following is an entry in ClinVar:

ClinVar aggregate classification (germline): Conflicting classifications of pathogenicity. Review status: criteria provided, conflicting classifications (1 of 4 stars). 2 submissions from 2 submitters: Uncertain significance (1); Likely benign (1). Last evaluated 2025-04-14.

Allele frequency attached by ClinVar (database versions not stated): gnomAD 0.00001; gnomAD exomes 0.00001 and 0.00002; TOPMed 0.00002; ExAC 0.00004; ESP Exome Variant Server 0.00015.

Submissions (2):

Labcorp Genetics (formerly Invitae), Labcorp
Classification: Uncertain significance. Last evaluated: 2025-04-14. Review status: criteria provided, single submitter. Criteria: Invitae Variant Classification Sherloc (09022015). Collection method: clinical testing. Allele origin: germline.
Comment: This sequence change replaces threonine, which is neutral and polar, with isoleucine, which is neutral and non-polar, at codon 340 of the ABRAXAS1 protein (p.Thr340Ile). This variant is present in population databases (rs367958380, gnomAD 0.005%). This variant has not been reported in the literature in individuals affected with ABRAXAS1-related conditions. ClinVar contains an entry for this variant (Variation ID: 655864). Invitae Evidence Modeling of protein sequence and biophysical properties (such as structural, functional, and spatial information, amino acid conservation, physicochemical variation, residue mobility, and thermodynamic stability) indicates that this missense variant is not expected to disrupt ABRAXAS1 protein function with a negative predictive value of 80%. In summary, the available evidence is currently insufficient to determine the role of this variant in disease. Therefore, it has been classified as a Variant of Uncertain Significance.

Ambry Genetics
Classification: Likely benign. Last evaluated: 2024-03-25. Review status: criteria provided, single submitter. Criteria: Ambry Variant Classification Scheme 2023. Collection method: clinical testing. Allele origin: germline.

NM_139076.3(ABRAXAS1):c.1019C>T (p.Thr340Ile)

Gene: ABRAXAS1 (abraxas 1, BRCA1 A complex subunit; minus strand). Cytogenetic location: 4q21.23.
Variant type: single nucleotide variant.
Coding change: c.1019C>T on transcript NM_139076.3 (MANE Select); coding-DNA position 1019, C replaced by T.
Protein change: p.Thr340Ile; replaces threonine 340 with isoleucine.
Molecular consequence: missense variant.
Genome position (GRCh38, 1-based): chr4:83,462,680, G>A on the plus strand (C>T on the coding strand, the complement: ABRAXAS1 is on the minus strand). VCF-style: chr4-83462680-G-A. GRCh37 (hg19) VCF-style: chr4-84383833-G-A.
Other names: c.692C>T, p.Thr231Ile (NM_001345962.2); short protein forms T231I, T340I.
Identifiers: ClinVar variation 655864 (VCV000655864.13), dbSNP rs367958380, ClinGen allele CA2990393.